The following is an entry in ClinVar:

NM_032242.4(PLXNA1):c.2851C>T (p.Leu951=)

Gene: PLXNA1 (plexin A1; plus strand). Cytogenetic location: 3q21.3.
Variant type: single nucleotide variant.
Coding change: c.2851C>T on transcript NM_032242.4 (MANE Select); coding-DNA position 2851, C replaced by T.
Protein change: p.Leu951=; no amino-acid change (leucine 951 retained).
Molecular consequence: synonymous variant.
Genome position (GRCh38, 1-based): chr3:127,014,805, C>T. VCF-style: chr3-127014805-C-T. GRCh37 (hg19) VCF-style: chr3-126733648-C-T.
Identifiers: ClinVar variation 3353666 (VCV003353666.1).

ClinVar aggregate classification (germline): Likely benign (0 of 4 stars; one submission).

Conditions:
PLXNA1-related disorder. Also called: PLXNA1-related condition.

Submission:

PreventionGenetics, part of Exact Sciences
Classification: Likely benign for PLXNA1-related condition. Last evaluated: 2022-07-14. Review status: no assertion criteria provided. Collection method: clinical testing. Allele origin: germline.
Comment: This variant is classified as likely benign based on ACMG/AMP sequence variant interpretation guidelines (Richards et al. 2015 PMID: 25741868, with internal and published modifications).